The following is an entry in ClinVar:

ClinVar aggregate classification (germline): Uncertain significance (1 of 4 stars; one submission).

Allele frequency attached by ClinVar (database versions not stated): ExAC 0.00002; gnomAD 0.00002; ESP Exome Variant Server 0.00015.
gnomAD v4.1: 8 of 1,609,588 alleles (0.0005%); highest among the groups gnomAD compares: East Asian, 0.0022%; no homozygotes.

Submission:

Labcorp Genetics (formerly Invitae), Labcorp
Classification: Uncertain significance. Last evaluated: 2022-11-28. Review status: criteria provided, single submitter. Criteria: Invitae Variant Classification Sherloc (09022015). Collection method: clinical testing. Allele origin: germline.
Comment: This sequence change replaces arginine, which is basic and polar, with cysteine, which is neutral and slightly polar, at codon 128 of the POLR3B protein (p.Arg128Cys). In summary, the available evidence is currently insufficient to determine the role of this variant in disease. Therefore, it has been classified as a Variant of Uncertain Significance. Advanced modeling of protein sequence and biophysical properties (such as structural, functional, and spatial information, amino acid conservation, physicochemical variation, residue mobility, and thermodynamic stability) has been performed at Invitae for this missense variant, however the output from this modeling did not meet the statistical confidence thresholds required to predict the impact of this variant on POLR3B protein function. This variant has not been reported in the literature in individuals affected with POLR3B-related conditions. This variant is present in population databases (rs369609747, gnomAD 0.004%).

NM_018082.6(POLR3B):c.382C>T (p.Arg128Cys)

Gene: POLR3B (RNA polymerase III subunit B; plus strand). Cytogenetic location: 12q23.3.
Variant type: single nucleotide variant.
Coding change: c.382C>T on transcript NM_018082.6 (MANE Select); coding-DNA position 382, C replaced by T.
Protein change: p.Arg128Cys; replaces arginine 128 with cysteine.
Molecular consequence: missense variant.
Genome position (GRCh38, 1-based): chr12:106,369,661, C>T. VCF-style: chr12-106369661-C-T. GRCh37 (hg19) VCF-style: chr12-106763439-C-T.
Other names: c.208C>T, p.Arg70Cys (NM_001160708.2); short protein forms R128C, R70C.
Identifiers: ClinVar variation 1948435 (VCV001948435.5), dbSNP rs369609747, ClinGen allele CA6761673.